The following is an entry in ClinVar:

NM_138704.4(NSMCE3):c.490G>A (p.Asp164Asn)

Genes: NSMCE3 (NSE3 homolog, SMC5-SMC6 complex component; minus strand), ENTREP2 (endosomal transmembrane epsin interactor 2; minus strand). Cytogenetic location: 15q13.1.
Variant type: single nucleotide variant.
Coding change: c.490G>A on transcript NM_138704.4 (MANE Select); coding-DNA position 490, G replaced by A.
Protein change: p.Asp164Asn; replaces aspartic acid 164 with asparagine.
Molecular consequence: missense variant. On other transcripts: intron variant (5).
Genome position (GRCh38, 1-based): chr15:29,269,216, C>T on the plus strand (G>A on the coding strand, the complement: NSMCE3 is on the minus strand). VCF-style: chr15-29269216-C-T. GRCh37 (hg19) VCF-style: chr15-29561420-C-T.
Other names: c.-12-16738G>A (NM_001387217.1, NM_001387215.1, NM_001387216.1); c.277-16738G>A (NM_001387214.1, NM_015307.2); short protein forms D164N.
Identifiers: ClinVar variation 1497745 (VCV001497745.5), dbSNP rs752127364, ClinGen allele CA7446118.
Genomic context (GRCh38, chr15:29,269,216, plus strand): 5'-CTAAGACGATCATCAGGAGGCCCGTAGTGGGCGTGCCTTGGTCACCCCTCATCTCGGCAT[C>T]CTCCTCCACAGGCTCCAGGGTGTTGATGAGGATGTAAGTGTTGCTCTTGGGTTCAAGTTC-3'
Protein context (NP_619649.1, residues 154-174): LINTLEPVEE[Asp164Asn]AEMRGDQGTP

ClinVar aggregate classification (germline): Uncertain significance (1 of 4 stars; one submission).

Allele frequency attached by ClinVar (database versions not stated): gnomAD exomes below 0.00001 and 0.00005; gnomAD 0.00002 and 0.00003; TOPMed 0.00003; ExAC 0.00004.
gnomAD v4.1: 9 of 1,613,990 alleles (0.00056%); highest among the groups gnomAD compares: East Asian, 0.018%; no homozygotes.

Submission:

Labcorp Genetics (formerly Invitae), Labcorp
Classification: Uncertain significance. Last evaluated: 2022-04-28. Review status: criteria provided, single submitter. Criteria: Invitae Variant Classification Sherloc (09022015). Collection method: clinical testing. Allele origin: germline.
Comment: This sequence change replaces aspartic acid, which is acidic and polar, with asparagine, which is neutral and polar, at codon 164 of the NSMCE3 protein (p.Asp164Asn). This variant is present in population databases (rs752127364, gnomAD 0.07%). This variant has not been reported in the literature in individuals affected with NSMCE3-related conditions. Algorithms developed to predict the effect of missense changes on protein structure and function are either unavailable or do not agree on the potential impact of this missense change (SIFT: "Deleterious"; PolyPhen-2: "Possibly Damaging"; Align-GVGD: "Class C0"). In summary, the available evidence is currently insufficient to determine the role of this variant in disease. Therefore, it has been classified as a Variant of Uncertain Significance.